The following is an entry in ClinVar:

ClinVar aggregate classification (germline): Conflicting classifications of pathogenicity. Review status: criteria provided, conflicting classifications (1 of 4 stars). 4 submissions from 4 submitters: Uncertain significance (2); Likely benign (2). Last evaluated 2025-10-18.

Conditions:
Charcot-Marie-Tooth disease. Also called: Charcot-Marie-Tooth Hereditary Neuropathy; Charcot-Marie-Tooth Neuropathy. Identifiers: Orphanet 166, MedGen C0007959, MONDO:0015626.
Charcot-Marie-Tooth disease type 4. Also called: Charcot-Marie-Tooth disease, type IV; Charcot-Marie-Tooth, Type 4. Identifiers: Orphanet 64749, MedGen C4082197, MONDO:0018995.

Allele frequency attached by ClinVar (database versions not stated): gnomAD below 0.00001 and 0.00007; TOPMed 0.00001; gnomAD exomes 0.00030; 1000 Genomes Project 30x 0.00062; ExAC 0.00076; 1000 Genomes Project 0.00080.

Submissions (4):

Labcorp Genetics (formerly Invitae), Labcorp
Classification: Likely benign for Charcot-Marie-Tooth disease type 4. Last evaluated: 2025-10-18. Review status: criteria provided, single submitter. Criteria: Invitae Variant Classification Sherloc (09022015). Collection method: clinical testing. Allele origin: germline.

Athena Diagnostics
Classification: Likely benign. Last evaluated: 2021-03-23. Review status: criteria provided, single submitter. Criteria: Athena Diagnostics criteria. Collection method: clinical testing. Allele origin: unknown.

GeneDx
Classification: Uncertain significance. Last evaluated: 2016-03-03. Review status: criteria provided, single submitter. Criteria: GeneDx Variant Classification (06012015). Collection method: clinical testing. Allele origin: germline. Affected: yes.
Comment: The P19L variant has not been published as a pathogenic variant, nor has it been reported as a benign variant to our knowledge. It was not observed in approximately 6,100 individuals of European and African American ancestry in the NHLBI Exome Sequencing Project, but the 1000 Genomes Project reports P19L was observed in 4/978 (0.4%) alleles from individuals of South Asian ancestry. The P19L variant is a semi-conservative amino acid substitution, which may impact secondary protein structure as these residues differ in some properties. However, this substitution occurs at a position that is not conserved, and Leucine has been seen at this position in evolution. In silico analysis is inconsistent in its predictions as to whether or not the variant is damaging to the protein structure/function. Therefore, based on the currently available information, it is unclear whether this variant is a pathogenic variant or a rare benign variant.

Molecular Genetics Laboratory, London Health Sciences Centre
Classification: Uncertain significance for Charcot-Marie-Tooth disease. Review status: criteria provided, single submitter. Criteria: ACMG Guidelines, 2015. Collection method: clinical testing. Allele origin: germline. Affected: yes.

Literature cited by the submitters: PubMed 32376792 (cited by Athena Diagnostics).

NM_016156.6(MTMR2):c.56C>T (p.Pro19Leu)

Gene: MTMR2 (myotubularin related protein 2; minus strand). Cytogenetic location: 11q21.
Variant type: single nucleotide variant.
Coding change: c.56C>T on transcript NM_016156.6 (MANE Select); coding-DNA position 56, C replaced by T.
Protein change: p.Pro19Leu; replaces proline 19 with leucine.
Molecular consequence: missense variant. On other transcripts: 5 prime UTR variant (3).
Genome position (GRCh38, 1-based): chr11:95,923,899, G>A on the plus strand (C>T on the coding strand, the complement: MTMR2 is on the minus strand). VCF-style: chr11-95923899-G-A. GRCh37 (hg19) VCF-style: chr11-95657063-G-A.
Other names: c.-428C>T (NM_001243571.2); c.-355C>T (NM_201278.3); c.-232C>T (NM_201281.3); short protein forms P19L.
Identifiers: ClinVar variation 234848 (VCV000234848.14), dbSNP rs574213477, ClinGen allele CA6240489.